The following is an entry in ClinVar:

ClinVar aggregate classification (germline): Uncertain significance. Review status: criteria provided, multiple submitters, no conflicts (2 of 4 stars). 2 submissions from 2 submitters: Uncertain significance (2). Last evaluated 2024-10-09.

Conditions:
Combined immunodeficiency due to CTPS1 deficiency. Also called: Severe combined immunodeficiency due to CTPS1 deficiency; Immunodeficiency 24. Identifiers: Orphanet 420573, MedGen C4014617, MONDO:0014391, OMIM 615897.

Allele frequency attached by ClinVar (database versions not stated): gnomAD exomes below 0.00001; gnomAD 0.00001; TOPMed 0.00002.
gnomAD v4.1: 10 of 1,614,042 alleles (0.00062%); highest among the groups gnomAD compares: African/African-American, 0.004%; no homozygotes.

Submissions (2):

Ambry Genetics
Classification: Uncertain significance. Last evaluated: 2024-10-09. Review status: criteria provided, single submitter. Criteria: Ambry Variant Classification Scheme 2023. Collection method: clinical testing. Allele origin: germline.

Labcorp Genetics (formerly Invitae), Labcorp
Classification: Uncertain significance for Combined immunodeficiency due to CTPS1 deficiency. Last evaluated: 2023-11-27. Review status: criteria provided, single submitter. Criteria: Invitae Variant Classification Sherloc (09022015). Collection method: clinical testing. Allele origin: germline.
Comment: This sequence change replaces lysine, which is basic and polar, with arginine, which is basic and polar, at codon 466 of the CTPS1 protein (p.Lys466Arg). This variant is present in population databases (no rsID available, gnomAD 0.007%). This variant has not been reported in the literature in individuals affected with CTPS1-related conditions. ClinVar contains an entry for this variant (Variation ID: 962137). An algorithm developed to predict the effect of missense changes on protein structure and function (PolyPhen-2) suggests that this variant¬†is likely to be tolerated. In summary, the available evidence is currently insufficient to determine the role of this variant in disease. Therefore, it has been classified as a Variant of Uncertain Significance.

NM_001905.4(CTPS1):c.1397A>G (p.Lys466Arg)

Gene: CTPS1 (CTP synthase 1; plus strand). Cytogenetic location: 1p34.2.
Variant type: single nucleotide variant.
Coding change: c.1397A>G on transcript NM_001905.4 (MANE Select); coding-DNA position 1397, A replaced by G.
Protein change: p.Lys466Arg; replaces lysine 466 with arginine.
Molecular consequence: missense variant. On other transcripts: non-coding transcript variant (1).
Genome position (GRCh38, 1-based): chr1:41,008,662, A>G. VCF-style: chr1-41008662-A-G. GRCh37 (hg19) VCF-style: chr1-41474334-A-G.
Other names: c.1397A>G (NM_001905.2); c.929A>G, p.Lys310Arg (NM_001301237.2); short protein forms K310R, K466R.
Identifiers: ClinVar variation 962137 (VCV000962137.6), dbSNP rs962110557, ClinGen allele CA21150877.